The following is an entry in ClinVar:

ClinVar aggregate classification (germline): Pathogenic/Likely pathogenic. Review status: criteria provided, multiple submitters, no conflicts (2 of 4 stars). 6 submissions from 6 submitters: Pathogenic (4); Likely pathogenic (1). 1 of the submissions does not count toward it. Last evaluated 2025-12-12.

Conditions:
Hereditary cancer-predisposing syndrome. Also called: Hereditary Cancer Syndrome; Hereditary neoplastic syndrome; Neoplastic Syndromes, Hereditary; Tumor predisposition. Identifiers: Orphanet 140162, MedGen C0027672, MeSH D009386, MONDO:0015356.
Breast-ovarian cancer, familial, susceptibility to, 1 (BROVCA1). Also called: BRCA1 Hereditary Breast and Ovarian Cancer; OVARIAN CANCER, SUSCEPTIBILITY TO. Identifiers: Orphanet 145, MedGen C2676676, MONDO:0011450, OMIM 604370. Disease mechanism: loss of function.
Hereditary breast ovarian cancer syndrome. Also called: BRCA1- and BRCA2-Associated Hereditary Breast and Ovarian Cancer; Hereditary breast and ovarian cancer syndrome; Hereditary breast and ovarian cancer syndrome (HBOC); Breast and ovarian cancer; Hereditary breast and/or ovarian cancer syndrome; Hereditary breast and ovarian cancer. Identifiers: Orphanet 145, MedGen C0677776, MeSH D061325, MONDO:0003582. Disease mechanism: loss of function.

Submissions (6):

Dasa
Classification: Pathogenic for Breast-ovarian cancer, familial, susceptibility to, 1. Last evaluated: 2025-12-12. Review status: criteria provided, single submitter. Criteria: DASA Assertion Criteria. Collection method: clinical testing. Allele origin: germline.
Comment: NM_007294.4(BRCA1):c.4357+1G>C introduces a premature termination codon predicted to result in loss of normal protein function. Loss-of-function is an established mechanism of disease for this gene. This variant results in the same amino acid change as a previously established pathogenic variant. The affected residue or protein region has prior evidence supporting clinical relevance. The variant is present at low frequency in population datasets. Based on the available data, this variant is classified as pathogenic.

Labcorp Genetics (formerly Invitae), Labcorp
Classification: Pathogenic for Hereditary breast ovarian cancer syndrome. Last evaluated: 2022-10-28. Review status: criteria provided, single submitter. Criteria: Invitae Variant Classification Sherloc (09022015). Collection method: clinical testing. Allele origin: germline.
Comment: Studies have shown that disruption of this splice site alters mRNA splicing and is expected to lead to the loss of protein expression (PMID: 21735045, 24667779). For these reasons, this variant has been classified as Pathogenic. ClinVar contains an entry for this variant (Variation ID: 55177). This variant is also known as IVS13+1G>C. Disruption of this splice site has been observed in individual(s) with breast and/or ovarian cancer (PMID: 27741520, 29907814). This variant is not present in population databases (gnomAD no frequency). This sequence change affects a donor splice site in intron 12 of the BRCA1 gene. RNA analysis indicates that disruption of this splice site induces altered splicing and may result in an absent or disrupted protein product.

Ambry Genetics
Classification: Pathogenic for Hereditary cancer-predisposing syndrome. Last evaluated: 2022-03-29. Review status: criteria provided, single submitter. Criteria: Ambry Variant Classification Scheme 2023. Collection method: clinical testing. Allele origin: germline.
Comment: The c.4357+1G>C intronic pathogenic mutation results from a G to C substitution one nucleotide after coding exon 11 of the BRCA1 gene. This alteration was also identified in a large, worldwide study of BRCA1/2 mutation positive families (Rebbeck TR et al. Hum Mutat, 2018 05;39:593-620). Two other alterations impacting the same donor site (c.4357+1G>A and c.4357+1G>T) have been reported in multiple individuals with a personal and/or family history consistent with HBOC syndrome, and have been shown to have a deleterious impact on splicing (Ambry internal data; Thomassen M et al. Breast Cancer Res. Treat. 2012 Apr;132:1009-23; Men&eacute;ndez M et al. Breast Cancer Res. Treat. 2012 Apr;132(3):979-92). This variant is considered to be rare based on population cohorts in the Genome Aggregation Database (gnomAD). In addition to the clinical data presented in the literature, alterations that disrupt the canonical splice site are expected to cause aberrant splicing, resulting in an abnormal protein or a transcript that is subject to nonsense-mediated mRNA decay. As such, this alteration is classified as a disease-causing mutation.

Color Diagnostics, LLC DBA Color Health
Classification: Likely pathogenic for Hereditary cancer-predisposing syndrome. Last evaluated: 2020-05-04. Review status: criteria provided, single submitter. Criteria: ACMG Guidelines, 2015. Collection method: clinical testing. Allele origin: germline.
Comment: This variant causes a G to C nucleotide substitution at the +1 position of intron 12 of the BRCA1 gene. Splice site prediction tools suggest that this variant may have a significant impact on RNA splicing. Although this prediction has not been confirmed in published RNA studies, this variant is expected to result in an absent or disrupted protein product. This variant has been reported in individuals affected with breast cancer (PMID: 27741520, Color internal data). This variant has not been identified in the general population by the Genome Aggregation Database (gnomAD). Loss of BRCA1 function is a known mechanism of disease. Based on the available evidence, this variant is classified as Likely Pathogenic.

Genesis Genomics
Classification: Pathogenic for Breast-ovarian cancer, familial, susceptibility to, 1. Review status: criteria provided, single submitter. Criteria: ACMG Guidelines, 2015. Collection method: clinical testing. Allele origin: germline. Affected: yes. Observed: 1 variant allele.

Breast Cancer Information Core (BIC) (BRCA1)
Classification: Pathogenic for Breast-ovarian cancer, familial 1. Last evaluated: 2013-03-25. Review status: no assertion criteria provided. Collection method: clinical testing. Allele origin: germline. Affected: yes. Observed: 2 variant alleles. Not counted in ClinVar's aggregate classification.

Literature cited by the submitters: PubMed 21735045 (cited by Labcorp Genetics (formerly Invitae), Labcorp); PubMed 24667779 (cited by Labcorp Genetics (formerly Invitae), Labcorp); PubMed 27741520 (cited by Labcorp Genetics (formerly Invitae), Labcorp and Ambry Genetics); PubMed 29907814 (cited by Labcorp Genetics (formerly Invitae), Labcorp); PubMed 29446198 (cited by Ambry Genetics).

NM_007294.4(BRCA1):c.4357+1G>C

Gene: BRCA1 (BRCA1 DNA repair associated; minus strand). Cytogenetic location: 17q21.31.
Variant type: single nucleotide variant.
Coding change: c.4357+1G>C on transcript NM_007294.4 (MANE Select); the canonical splice donor site of the intron after coding-DNA position 4357, G replaced by C.
Molecular consequence: splice donor variant.
Genome position (GRCh38, 1-based): chr17:43,082,403, C>G on the plus strand (G>C on the coding strand, the complement: BRCA1 is on the minus strand). VCF-style: chr17-43082403-C-G. GRCh37 (hg19) VCF-style: chr17-41234420-C-G.
Other names: IVS13+1G>C; c.4216+1G>C (NM_001407725.1, NM_001407727.1, NM_001407737.1 and 23 more transcripts); c.931+1G>C (NM_001408422.1, NM_001408418.1, NM_001408423.1 and 2 more transcripts); c.4144+1G>C (NM_001407896.1, NM_001407571.1, NM_001407898.1 and 12 more transcripts); c.4147+1G>C (NM_001407900.1, NM_001407885.1, NM_001407886.1 and 9 more transcripts); c.4021+1G>C (NM_001407952.1, NM_001407957.1, NM_001407953.1 and 3 more transcripts); c.4213+1G>C (NM_001407841.1, NM_001407747.1, NM_001407839.1 and 23 more transcripts); c.4153+1G>C (NM_001407874.1, NM_001407875.1); and 52 more.
Identifiers: ClinVar variation 55177 (VCV000055177.22), dbSNP rs80358027, ClinGen allele CA002789.